The following is an entry in ClinVar:

ClinVar aggregate classification (germline): Likely pathogenic (1 of 4 stars; one submission).

Conditions:
Fanconi anemia complementation group P. Also called: SLX4-Related Fanconi Anemia. Identifiers: Orphanet 84, MedGen C3469542, MONDO:0013499, OMIM 613951.

Submission:

Baylor Genetics
Classification: Likely pathogenic for Fanconi anemia complementation group P. Last evaluated: 2018-05-18. Review status: criteria provided, single submitter. Criteria: ACMG Guidelines, 2015. Collection method: clinical testing. Allele origin: maternal. Affected: yes.
Comment: This variant was determined to be likely pathogenic according to ACMG Guidelines, 2015 [PMID:25741868].

NM_032444.4(SLX4):c.5120_5121del (p.Val1707fs)

Gene: SLX4 (SLX4 structure-specific endonuclease subunit; minus strand). Cytogenetic location: 16p13.3.
Variant type: Microsatellite.
Coding change: c.5120_5121del on transcript NM_032444.4 (MANE Select); coding-DNA positions 5120 to 5121, 2 bases deleted (TG; older notation c.5120_5121delTG).
Protein change: p.Val1707fs; shifts the reading frame from valine 1707.
Molecular consequence: frameshift variant.
Genome position (GRCh38, 1-based): chr16:3,583,129-3,583,130, CA deleted on the plus strand (TG on the coding strand, the reverse complement: SLX4 is on the minus strand); deleting any 2 consecutive bases within chr16:3,583,129-3,583,132 gives the same sequence; the c. name uses the placement nearest the transcript's 3' end. VCF-style (leftmost placement, unchanged base first): chr16-3583128-CCA-C. GRCh37 (hg19) VCF-style: chr16-3633129-CCA-C.
Other names: short protein forms V1707fs.
Identifiers: ClinVar variation 1034145 (VCV001034145.1), dbSNP rs2040460653, ClinGen allele CA2202842860.